The following is an entry in ClinVar:

ClinVar aggregate classification (germline): Uncertain significance. Review status: criteria provided, multiple submitters, no conflicts (2 of 4 stars). 2 submissions from 2 submitters: Uncertain significance (2). Last evaluated 2024-05-13.

Conditions:
Neurodevelopmental disorder with progressive spasticity and brain white matter abnormalities. Also called: CEREBRAL PALSY, SPASTIC QUADRIPLEGIC, 1. Identifiers: Orphanet 210141, Orphanet 641353, MedGen C5436628, MONDO:0033613, OMIM 619026.
Inborn genetic diseases. Identifiers: MedGen C0950123, MeSH D030342.

Allele frequency attached by ClinVar (database versions not stated): ExAC 0.00001; gnomAD 0.00003; TOPMed 0.00003; gnomAD exomes 0.00007.
gnomAD v4.1: 105 of 1,614,040 alleles (0.0065%); highest among the groups gnomAD compares: Non-Finnish European, 0.0083%; no homozygotes.

Submissions (2):

Ambry Genetics
Classification: Uncertain significance for Inborn genetic diseases. Last evaluated: 2024-05-13. Review status: criteria provided, single submitter. Criteria: Ambry Variant Classification Scheme 2023. Collection method: clinical testing. Allele origin: germline.

Labcorp Genetics (formerly Invitae), Labcorp
Classification: Uncertain significance for Neurodevelopmental disorder with progressive spasticity and brain white matter abnormalities. Last evaluated: 2022-11-10. Review status: criteria provided, single submitter. Criteria: Invitae Variant Classification Sherloc (09022015). Collection method: clinical testing. Allele origin: germline.
Comment: In summary, the available evidence is currently insufficient to determine the role of this variant in disease. Therefore, it has been classified as a Variant of Uncertain Significance. This sequence change replaces proline, which is neutral and non-polar, with alanine, which is neutral and non-polar, at codon 558 of the GAD1 protein (p.Pro558Ala). This variant is present in population databases (rs774953382, gnomAD 0.004%). This variant has not been reported in the literature in individuals affected with GAD1-related conditions. Advanced modeling of protein sequence and biophysical properties (such as structural, functional, and spatial information, amino acid conservation, physicochemical variation, residue mobility, and thermodynamic stability) performed at Invitae indicates that this missense variant is expected to disrupt GAD1 protein function.

NM_000817.3(GAD1):c.1672C>G (p.Pro558Ala)

Gene: GAD1 (glutamate decarboxylase 1; plus strand). Cytogenetic location: 2q31.1.
Variant type: single nucleotide variant.
Coding change: c.1672C>G on transcript NM_000817.3 (MANE Select); coding-DNA position 1672, C replaced by G.
Protein change: p.Pro558Ala; replaces proline 558 with alanine.
Molecular consequence: missense variant.
Genome position (GRCh38, 1-based): chr2:170,859,769, C>G. VCF-style: chr2-170859769-C-G. GRCh37 (hg19) VCF-style: chr2-171716279-C-G.
Other names: c.1672C>G (NM_000817.2); short protein forms P558A.
Identifiers: ClinVar variation 2739739 (VCV002739739.4), dbSNP rs774953382, ClinGen allele CA1963020.